The following is an entry in ClinVar:

ClinVar aggregate classification (germline): Uncertain significance (1 of 4 stars; one submission).

Submission:

GeneDx
Classification: Uncertain significance. Last evaluated: 2023-03-22. Review status: criteria provided, single submitter. Criteria: GeneDx Variant Classification Process June 2021. Collection method: clinical testing. Allele origin: germline. Affected: yes.
Comment: Not observed at significant frequency in large population cohorts (gnomAD); In-frame deletion of 2 amino acids in a non-repeat region; In silico analysis supports that this variant does not alter protein structure/function; Has not been previously published as pathogenic or benign to our knowledge

NM_001348716.2(KDM6B):c.3014CCAAGG[1] (p.1003AK[2])

Gene: KDM6B (lysine demethylase 6B; plus strand). Cytogenetic location: 17p13.1.
Variant type: Microsatellite.
Coding change: c.3014CCAAGG[1] on transcript NM_001348716.2 (MANE Select); one copy of the 6-base unit CCAAGG starting at c.3014; the reference has two copies in a row; one copy, 6 bases deleted.
Protein change: p.1003AK[2].
Molecular consequence: inframe deletion.
Genome position (GRCh38, 1-based): chr17:7,849,308-7,849,313, CCAAGG deleted; deleting any 6 consecutive bases within chr17:7,849,298-7,849,313 gives the same sequence; the position shown is the placement nearest the transcript's 3' end. VCF-style (leftmost placement, unchanged base first): chr17-7849297-AAAGGCC-A. GRCh37 (hg19) VCF-style: chr17-7752615-AAAGGCC-A.
Other names: c.3014CCAAGG[1], p.1003AK[2] (NM_001080424.2).
Identifiers: ClinVar variation 2580643 (VCV002580643.1), dbSNP rs777374865, ClinGen allele CA775297814.